The following is an entry in ClinVar:

ClinVar aggregate classification (germline): Pathogenic (1 of 4 stars; one submission).

Submissions (2):

CeGaT Center for Human Genetics Tuebingen
Classification: Pathogenic. Last evaluated: 2023-05-01. Review status: criteria provided, single submitter. Criteria: CeGaT Center For Human Genetics Tuebingen Variant Classification Criteria Version 2. Collection method: clinical testing. Allele origin: germline. Affected: yes. Observed: 1 variant allele.
Comment: PLS3: PVS1:Strong, PM2, PS3:Moderate, PP4, PS4:Supporting

Dr. Peter K. Rogan Lab, Western University
No classification provided (evidence only). Condition: Thyroid cancer, nonmedullary, 1. Review status: no classification provided. Collection method: in vitro. Allele origin: not applicable. Functional consequence: retained intron. Not counted in ClinVar's aggregate classification.

NM_005032.7(PLS3):c.748+1G>A

Gene: PLS3 (plastin 3; plus strand). Cytogenetic location: Xq23.
Variant type: single nucleotide variant.
Coding change: c.748+1G>A on transcript NM_005032.7 (MANE Select); the canonical splice donor site of the intron after coding-DNA position 748, G replaced by A.
Molecular consequence: splice donor variant.
Genome position (GRCh38, 1-based): chrX:115,635,047, G>A. VCF-style: chrX-115635047-G-A. GRCh37 (hg19) VCF-style: chrX-114869359-G-A.
Other names: NC_000023.10:g.114869359G>A; c.682+1G>A (NM_001282337.2); c.613+1G>A (NM_001282338.2); c.748+1G>A (NM_001136025.5); c.667+1G>A (NM_001172335.3).
Identifiers: ClinVar variation 2571376 (VCV002571376.28), dbSNP rs2521453615, ClinGen allele CA414334244.